The following is an entry in ClinVar:

NM_001170629.2(CHD8):c.6405A>G (p.Gly2135=)

Gene: CHD8 (chromodomain helicase DNA binding protein 8; minus strand). Cytogenetic location: 14q11.2.
Variant type: single nucleotide variant.
Coding change: c.6405A>G on transcript NM_001170629.2 (MANE Select); coding-DNA position 6405, A replaced by G.
Protein change: p.Gly2135=; no amino-acid change (glycine 2135 retained).
Molecular consequence: synonymous variant.
Genome position (GRCh38, 1-based): chr14:21,393,169, T>C on the plus strand (A>G on the coding strand, the complement: CHD8 is on the minus strand). VCF-style: chr14-21393169-T-C. GRCh37 (hg19) VCF-style: chr14-21861328-T-C.
Other names: c.5568A>G, p.Gly1856= (NM_020920.4).
Identifiers: ClinVar variation 588755 (VCV000588755.18), dbSNP rs745467579, ClinGen allele CA7090786.

ClinVar aggregate classification (germline): Likely benign. Review status: criteria provided, multiple submitters, no conflicts (2 of 4 stars). 5 submissions from 5 submitters: Likely benign (5). Last evaluated 2026-09-01.

Conditions:
Inborn genetic diseases. Identifiers: MedGen C0950123, MeSH D030342.
CHD8-related disorder. Also called: CHD8-related disorders; CHD8-related condition.

Allele frequency attached by ClinVar (database versions not stated): gnomAD 0.00003; gnomAD exomes 0.00003 and 0.00017; TOPMed 0.00009; ExAC 0.00010.
gnomAD v4.1: 55 of 1,613,968 alleles (0.0034%); highest among the groups gnomAD compares: Admixed American, 0.082%; no homozygotes.

Submissions (5):

CeGaT Center for Human Genetics Tuebingen
Classification: Likely benign. Last evaluated: 2026-09-01. Review status: criteria provided, single submitter. Criteria: CeGaT Center For Human Genetics Tuebingen Variant Classification Criteria Version 2. Collection method: clinical testing. Allele origin: germline. Affected: yes. Observed: 2 variant alleles.
Comment: CHD8: BP4, BP7

PreventionGenetics, part of Exact Sciences
Classification: Likely benign for CHD8-related condition. Last evaluated: 2026-03-18. Review status: criteria provided, single submitter. Criteria: ACMG Guidelines, 2015. Collection method: clinical testing. Allele origin: germline.
Comment: This variant is classified as likely benign based on ACMG/AMP sequence variant interpretation guidelines (Richards et al. 2015 PMID: 25741868, with internal and published modifications).

Labcorp Genetics (formerly Invitae), Labcorp
Classification: Likely benign. Last evaluated: 2025-07-18. Review status: criteria provided, single submitter. Criteria: Invitae Variant Classification Sherloc (09022015). Collection method: clinical testing. Allele origin: germline.

GeneDx
Classification: Likely benign. Last evaluated: 2021-05-17. Review status: criteria provided, single submitter. Criteria: GeneDx Variant Classification Process June 2021. Collection method: clinical testing. Allele origin: germline. Affected: yes.

Ambry Genetics
Classification: Likely benign for Inborn genetic diseases. Last evaluated: 2017-02-07. Review status: criteria provided, single submitter. Criteria: Ambry Variant Classification Scheme 2023. Collection method: clinical testing. Allele origin: germline.